The following is an entry in ClinVar:

NM_000206.3(IL2RG):c.222G>C (p.Trp74Cys)

Gene: IL2RG (interleukin 2 receptor subunit gamma; minus strand). Cytogenetic location: Xq13.1.
Variant type: single nucleotide variant.
Coding change: c.222G>C on transcript NM_000206.3 (MANE Select); coding-DNA position 222, G replaced by C.
Protein change: p.Trp74Cys; replaces tryptophan 74 with cysteine.
Molecular consequence: missense variant.
Genome position (GRCh38, 1-based): chrX:71,110,944, C>G on the plus strand (G>C on the coding strand, the complement: IL2RG is on the minus strand). VCF-style: chrX-71110944-C-G. GRCh37 (hg19) VCF-style: chrX-70330794-C-G.
Other names: short protein forms W74C.
Identifiers: ClinVar variation 3902822 (VCV003902822.1).

ClinVar aggregate classification (germline): Likely pathogenic (1 of 4 stars; one submission).

Conditions:
X-linked severe combined immunodeficiency (SCIDX1). Also called: IMMUNODEFICIENCY 4; SCID, X-LINKED; SEVERE COMBINED IMMUNODEFICIENCY, X-LINKED, T CELL-NEGATIVE, B CELL-POSITIVE, NK CELL-NEGATIVE; X-Linked Combined Immunodeficiency Diseases; T-B+ severe combined immunodeficiency due to gamma chain deficiency. Identifiers: Orphanet 276, MedGen C6022468, MONDO:0010315, OMIM 300400. Disease mechanism: loss of function.

Submission:

Laboratory of Hereditary Immune Disorders, Research Centre for Medical Genetics
Classification: Likely pathogenic for X-linked severe combined immunodeficiency. Last evaluated: 2023-12-02. Review status: criteria provided, single submitter. Criteria: ACMG Guidelines, 2015. Collection method: clinical testing. Allele origin: maternal. Inheritance: X-linked recessive inheritance. Affected: yes. Observed: 1 hemizygote.
Comment: This variant has been previously reported in the literature (PMIDs: 10794430) and is not listed in gnomAD v2.1.1. The affected amino acid position is evolutionarily conserved, and multiple in silico prediction tools support a deleterious effect. Taken together, the variant meets the following ACMG/AMP criteria and can be classified as likely pathogenic with PM2, PS1, PP3, PP5, PP4 criteria.

Literature cited by the submitters: PubMed 38578360.